The following is an entry in ClinVar:

NM_032043.3(BRIP1):c.2040_2044del (p.Leu680fs)

Gene: BRIP1 (BRCA1 interacting DNA helicase 1; minus strand). Cytogenetic location: 17q23.2.
Variant type: Deletion.
Coding change: c.2040_2044del on transcript NM_032043.3 (MANE Select); coding-DNA positions 2040 to 2044, 5 bases deleted (GTTAT; older notation c.2040_2044delGTTAT).
Protein change: p.Leu680fs; shifts the reading frame from leucine 680.
Molecular consequence: frameshift variant.
Genome position (GRCh38, 1-based): chr17:61,776,454-61,776,458, ATAAC deleted on the plus strand (GTTAT on the coding strand, the reverse complement: BRIP1 is on the minus strand); deleting any 5 consecutive bases within chr17:61,776,454-61,776,459 gives the same sequence; the c. name uses the placement nearest the transcript's 3' end. VCF-style (leftmost placement, unchanged base first): chr17-61776453-GATAAC-G. GRCh37 (hg19) VCF-style: chr17-59853814-GATAAC-G.
Other names: c.2040_2044delGTTAT (NM_032043.2); short protein forms L680fs.
Identifiers: ClinVar variation 976004 (VCV000976004.4), dbSNP rs2077534283, ClinGen allele CA1139665777.

ClinVar aggregate classification (germline): Pathogenic/Likely pathogenic. Review status: criteria provided, multiple submitters, no conflicts (2 of 4 stars). 2 submissions from 2 submitters: Pathogenic (1); Likely pathogenic (1). Last evaluated 2023-04-24.

Conditions:
Hereditary cancer-predisposing syndrome. Also called: Hereditary Cancer Syndrome; Hereditary neoplastic syndrome; Tumor predisposition; Neoplastic Syndromes, Hereditary. Identifiers: Orphanet 140162, MedGen C0027672, MeSH D009386, MONDO:0015356.
Familial cancer of breast. Also called: hereditary breast carcinoma; Hereditary breast cancer; BREAST CANCER, FAMILIAL. Identifiers: Orphanet 227535, MedGen C0346153, MONDO:0016419, OMIM 114480. Disease mechanism: loss of function.

Submissions (2):

Ambry Genetics
Classification: Pathogenic for Hereditary cancer-predisposing syndrome. Last evaluated: 2023-04-24. Review status: criteria provided, single submitter. Criteria: Ambry Variant Classification Scheme 2023. Collection method: clinical testing. Allele origin: germline.
Comment: The c.2040_2044delGTTAT pathogenic mutation, located in coding exon 13 of the BRIP1 gene, results from a deletion of 5 nucleotides at nucleotide positions 2040 to 2044, causing a translational frameshift with a predicted alternate stop codon (p.L680Ffs*35). This variant is considered to be rare based on population cohorts in the Genome Aggregation Database (gnomAD). This alteration is expected to result in loss of function by premature protein truncation or nonsense-mediated mRNA decay. As such, this alteration is interpreted as a disease-causing mutation.

Institute of Human Genetics, University of Leipzig Medical Center
Classification: Likely pathogenic for Familial cancer of breast. Last evaluated: 2020-01-22. Review status: criteria provided, single submitter. Criteria: ACMG Guidelines, 2015. Collection method: clinical testing. Allele origin: germline. Affected: yes. Observed: 1 variant allele.